The following is an entry in ClinVar:

ClinVar aggregate classification (germline): Uncertain significance (1 of 4 stars; one submission).

gnomAD v4.1: 1 of 1,493,742 alleles (0.000067%); highest among the groups gnomAD compares: Non-Finnish European, 0.000093%; no homozygotes.

Submission:

Labcorp Genetics (formerly Invitae), Labcorp
Classification: Uncertain significance. Last evaluated: 2022-09-06. Review status: criteria provided, single submitter. Criteria: Invitae Variant Classification Sherloc (09022015). Collection method: clinical testing. Allele origin: germline.
Comment: This sequence change replaces leucine, which is neutral and non-polar, with isoleucine, which is neutral and non-polar, at codon 373 of the IFT88 protein (p.Leu373Ile). This variant is not present in population databases (gnomAD no frequency). This variant has not been reported in the literature in individuals affected with IFT88-related conditions. Algorithms developed to predict the effect of missense changes on protein structure and function are either unavailable or do not agree on the potential impact of this missense change (SIFT: "Not Available"; PolyPhen-2: "Probably Damaging"; Align-GVGD: "Not Available"). In summary, the available evidence is currently insufficient to determine the role of this variant in disease. Therefore, it has been classified as a Variant of Uncertain Significance.

NM_006531.5(IFT88):c.1090C>A (p.Leu364Ile)

Gene: IFT88 (intraflagellar transport 88; plus strand). Cytogenetic location: 13q12.11.
Variant type: single nucleotide variant.
Coding change: c.1090C>A on transcript NM_006531.5 (MANE Select); coding-DNA position 1090, C replaced by A.
Protein change: p.Leu364Ile; replaces leucine 364 with isoleucine.
Molecular consequence: missense variant. On other transcripts: non-coding transcript variant (5).
Genome position (GRCh38, 1-based): chr13:20,605,083, C>A. VCF-style: chr13-20605083-C-A. GRCh37 (hg19) VCF-style: chr13-21179222-C-A.
Other names: c.988C>A, p.Leu330Ile (NM_001353571.2, NM_001353578.2); c.1090C>A, p.Leu364Ile (NM_001353572.2, NM_001353568.2); c.1033C>A, p.Leu345Ile (NM_001353573.2, NM_001353575.2, NM_001318491.2); c.931C>A, p.Leu311Ile (NM_001353574.2); c.1015C>A, p.Leu339Ile (NM_001353576.2, NM_001353577.2, NM_001353569.2 and 1 more transcripts); c.457C>A, p.Leu153Ile (NM_001353579.2); c.1117C>A, p.Leu373Ile (NM_001318493.2, NM_001353565.2, NM_001353566.2 and 2 more transcripts); short protein forms L373I, L339I, L345I, L153I, L330I, L311I, L364I.
Identifiers: ClinVar variation 2029157 (VCV002029157.4), dbSNP rs772217175, ClinGen allele CA387475912.
Genomic context (GRCh38, chr13:20,605,083, plus strand): 5'-TTATTTTACCAGGATGATCCTCATACTAACTTAGTAACTGAAGCTATAAAAAATGATCAC[C>A]TCAGGCAAATGGAACGTGAAAGGTAATATTTTAAACTTAATAACGTAGTTATTAATTACA-3'
Protein context (NP_006522.2, residues 354-374): LVTEAIKNDH[Leu364Ile]RQMERERKAM